The following is an entry in ClinVar:

ClinVar aggregate classification (germline): Uncertain significance. Review status: criteria provided, multiple submitters, no conflicts (2 of 4 stars). 2 submissions from 2 submitters: Uncertain significance (2). Last evaluated 2025-08-25.

Allele frequency attached by ClinVar (database versions not stated): gnomAD 0.00001.

Submissions (2):

Ambry Genetics
Classification: Uncertain significance. Last evaluated: 2025-08-25. Review status: criteria provided, single submitter. Criteria: Ambry Variant Classification Scheme 2023. Collection method: clinical testing. Allele origin: germline.

Labcorp Genetics (formerly Invitae), Labcorp
Classification: Uncertain significance. Last evaluated: 2021-11-16. Review status: criteria provided, single submitter. Criteria: Invitae Variant Classification Sherloc (09022015). Collection method: clinical testing. Allele origin: germline.
Comment: In summary, the available evidence is currently insufficient to determine the role of this variant in disease. Therefore, it has been classified as a Variant of Uncertain Significance. Algorithms developed to predict the effect of missense changes on protein structure and function are either unavailable or do not agree on the potential impact of this missense change (SIFT: "Not Available"; PolyPhen-2: "Benign"; Align-GVGD: "Not Available"). This variant has not been reported in the literature in individuals affected with GNMT-related conditions. This variant is present in population databases (no rsID available, gnomAD 0.1%). This sequence change replaces aspartic acid, which is acidic and polar, with glutamic acid, which is acidic and polar, at codon 37 of the GNMT protein (p.Asp37Glu).

NM_018960.6(GNMT):c.111C>G (p.Asp37Glu)

Genes: CNPY3-GNMT (CNPY3-GNMT readthrough; plus strand), GNMT (glycine N-methyltransferase; plus strand). Cytogenetic location: 6p21.1.
Variant type: single nucleotide variant.
Coding change: c.111C>G on transcript NM_018960.6 (MANE Select); coding-DNA position 111, C replaced by G.
Protein change: p.Asp37Glu; replaces aspartic acid 37 with glutamic acid.
Molecular consequence: missense variant. On other transcripts: non-coding transcript variant (1), intron variant (3).
Genome position (GRCh38, 1-based): chr6:42,960,878, C>G. VCF-style: chr6-42960878-C-G. GRCh37 (hg19) VCF-style: chr6-42928616-C-G.
Other names: c.111C>G, p.Asp37Glu (NM_001318865.2); c.9-1334C>G (NM_001318856.2); c.152-1884C>G (NM_001318857.2, NM_001318858.2); c.111C>G (NM_018960.4); short protein forms D37E.
Identifiers: ClinVar variation 1400150 (VCV001400150.7), dbSNP rs888403943, ClinGen allele CA364143369.
Genomic context (GRCh38, chr6:42,960,878, plus strand): 5'-GCTCCCGGACCAGTACGCGGACGGGGAGGCGGCGCGCGTGTGGCAGCTGTATATCGGAGA[C>G]ACCCGCAGCCGCACCGCCGAGTACAAGGCATGGCTGCTTGGGCTGCTGCGCCAGCACGGC-3'
Protein context (NP_061833.1, residues 27-47): AARVWQLYIG[Asp37Glu]TRSRTAEYKA